The following is an entry in ClinVar:

NM_000548.5(TSC2):c.4852G>C (p.Val1618Leu)

Gene: TSC2 (TSC complex subunit 2; plus strand). Cytogenetic location: 16p13.3.
Variant type: single nucleotide variant.
Coding change: c.4852G>C on transcript NM_000548.5 (MANE Select); coding-DNA position 4852, G replaced by C.
Protein change: p.Val1618Leu; replaces valine 1618 with leucine.
Molecular consequence: missense variant. On other transcripts: non-coding transcript variant (4).
Genome position (GRCh38, 1-based): chr16:2,086,734, G>C. VCF-style: chr16-2086734-G-C. GRCh37 (hg19) VCF-style: chr16-2136735-G-C.
Other names: c.4651G>C, p.Val1551Leu (NM_001077183.3); c.4783G>C, p.Val1595Leu (NM_001114382.3); c.4543G>C, p.Val1515Leu (NM_001318827.2); c.4507G>C, p.Val1503Leu (NM_001318829.2); c.4120G>C, p.Val1374Leu (NM_001318831.2); c.4684G>C, p.Val1562Leu (NM_001318832.2); c.4654G>C, p.Val1552Leu (NM_001363528.2); c.4720G>C, p.Val1574Leu (NM_001370404.1); and 26 more; short protein forms V1592L, V1594L, V1618L, V1104L, V1127L, V1352L, V1374L, V1395L.
Identifiers: ClinVar variation 2827016 (VCV002827016.3), dbSNP rs377129517, ClinGen allele CA394308223.

ClinVar aggregate classification (germline): Uncertain significance (1 of 4 stars; one submission).

Conditions:
Tuberous sclerosis 2 (TSC2). Identifiers: Orphanet 805, MedGen C1860707, MONDO:0013199, OMIM 613254.

Submission:

Labcorp Genetics (formerly Invitae), Labcorp
Classification: Uncertain significance for Tuberous sclerosis 2. Last evaluated: 2023-01-08. Review status: criteria provided, single submitter. Criteria: Invitae Variant Classification Sherloc (09022015). Collection method: clinical testing. Allele origin: germline.
Comment: In summary, the available evidence is currently insufficient to determine the role of this variant in disease. Therefore, it has been classified as a Variant of Uncertain Significance. Algorithms developed to predict the effect of missense changes on protein structure and function (SIFT, PolyPhen-2, Align-GVGD) all suggest that this variant is likely to be tolerated. This variant has not been reported in the literature in individuals affected with TSC2-related conditions. This variant is not present in population databases (gnomAD no frequency). This sequence change replaces valine, which is neutral and non-polar, with leucine, which is neutral and non-polar, at codon 1618 of the TSC2 protein (p.Val1618Leu).